The following is an entry in ClinVar:

ClinVar aggregate classification (germline): Pathogenic (1 of 4 stars; one submission).

Submission:

Labcorp Genetics (formerly Invitae), Labcorp
Classification: Pathogenic. Last evaluated: 2021-06-17. Review status: criteria provided, single submitter. Criteria: Invitae Variant Classification Sherloc (09022015). Collection method: clinical testing. Allele origin: germline.
Comment: For these reasons, this variant has been classified as Pathogenic. This variant has not been reported in the literature in individuals with HPS3-related conditions. This variant is not present in population databases (ExAC no frequency). This sequence change creates a premature translational stop signal (p.Arg234Aspfs*7) in the HPS3 gene. It is expected to result in an absent or disrupted protein product. Loss-of-function variants in HPS3 are known to be pathogenic (PMID: 11590544).

Literature cited by the submitters: PubMed 11590544.

NM_032383.5(HPS3):c.699_700del (p.Arg234fs)

Gene: HPS3 (HPS3 biogenesis of lysosomal organelles complex 2 subunit 1; plus strand). Cytogenetic location: 3q24.
Variant type: Deletion.
Coding change: c.699_700del on transcript NM_032383.5 (MANE Select); coding-DNA positions 699 to 700, 2 bases deleted (AC; older notation c.699_700delAC).
Protein change: p.Arg234fs; shifts the reading frame from arginine 234.
Molecular consequence: frameshift variant. On other transcripts: intron variant (1).
Genome position (GRCh38, 1-based): chr3:149,140,485-149,140,486, AC deleted. VCF-style (leftmost placement, unchanged base first): chr3-149140484-GAC-G. GRCh37 (hg19) VCF-style: chr3-148858271-GAC-G.
Other names: c.218-532_218-531del (NM_001308258.2); short protein forms R234fs.
Identifiers: ClinVar variation 1460261 (VCV001460261.6), dbSNP rs2108128892, ClinGen allele CA2573136648.
Genomic context (GRCh38, chr3:149,140,484, plus strand): 5'-CAGGCCCTAAAAATGGAGAGAGAGTTCACCACCATCCACATAAGACCAACAATCGAATAA[GAC>G]GGACAGAAGAAGGTAAATAATGAATTTGACTTGCTTTCTTGTTTTAGGAATATAGAAAAC-3'